The following is an entry in ClinVar:

ClinVar aggregate classification (germline): Conflicting classifications of pathogenicity. Review status: criteria provided, conflicting classifications (1 of 4 stars). 7 submissions from 2 submitters: Uncertain significance (1); Benign (5); Likely benign (1). Last evaluated 2026-05-01.

Conditions:
Autosomal dominant keratitis. Also called: Keratitis, hereditary. Identifiers: Orphanet 2334, MedGen C1835698, MONDO:0007848, OMIM 148190.
Aniridia 1 (AN1). Identifiers: Orphanet 250923, MedGen C0344542, MONDO:0024507, OMIM 106210.
Anophthalmia-microphthalmia syndrome. Also called: Anophthalmia/Microphthalmia; Anophthalmia - microphthalmia. Identifiers: Orphanet 98555, MedGen C5680330, MONDO:0020147.
carboxymethyl-dextran-A2-gadolinium-DOTA.
11p partial monosomy syndrome (WAGR). Also called: CHROMOSOME 11p13 DELETION SYNDROME; WAGR syndrome; WAGR Spectrum Disorder; WAGR Complex. Identifiers: Orphanet 893, MedGen C0206115, MONDO:0008681, OMIM 194072.
Foveal hypoplasia 1. Also called: FOVEAL HYPOPLASIA 1 WITH OR WITHOUT ANTERIOR SEGMENT ANOMALIES AND/OR CATARACT; FOVEAL HYPOPLASIA 1 WITH ANTERIOR SEGMENT ANOMALIES. Identifiers: Orphanet 2253, MedGen C3805604, MONDO:0007628, OMIM 136520.

Allele frequency attached by ClinVar (database versions not stated): 1000 Genomes Project 30x 0.00062; 1000 Genomes Project 0.00080; TOPMed 0.00101; gnomAD 0.00116 and 0.00117; gnomAD exomes 0.00130.
gnomAD v4.1: 179 of 156,912 alleles (0.11%); highest among the groups gnomAD compares: Non-Finnish European, 0.18%; no homozygotes.

Submissions (7):

CeGaT Center for Human Genetics Tuebingen
Classification: Likely benign. Last evaluated: 2026-05-01. Review status: criteria provided, single submitter. Criteria: CeGaT Center For Human Genetics Tuebingen Variant Classification Criteria Version 2. Collection method: clinical testing. Allele origin: germline. Affected: yes. Observed: 4 variant alleles.
Comment: PAX6: BS1

Illumina Laboratory Services, Illumina
Classification: Uncertain significance for Anophthalmia-microphthalmia syndrome. Last evaluated: 2018-01-13. Review status: criteria provided, single submitter. Criteria: ICSL Variant Classification Criteria 13 December 2019. Collection method: clinical testing. Allele origin: germline.

Illumina Laboratory Services, Illumina
Classification: Benign for Aniridia 1. Last evaluated: 2018-01-13. Review status: criteria provided, single submitter. Criteria: ICSL Variant Classification Criteria 13 December 2019. Collection method: clinical testing. Allele origin: germline.
Comment: This variant was observed in the ICSL laboratory as part of a predisposition screen in an ostensibly healthy population. It had not been previously curated by ICSL or reported in the Human Gene Mutation Database (HGMD: prior to June 1st, 2018), and was therefore a candidate for classification through an automated scoring system. Utilizing variant allele frequency, disease prevalence and penetrance estimates, and inheritance mode, an automated score was calculated to assess if this variant is too frequent to cause the disease. Based on the score and internal cut-off values, a variant classified as benign is not then subjected to further curation. The score for this variant resulted in a classification of benign for this disease.

Illumina Laboratory Services, Illumina
Classification: Benign for Foveal hypoplasia 1. Last evaluated: 2018-01-13. Review status: criteria provided, single submitter. Criteria: ICSL Variant Classification Criteria 13 December 2019. Collection method: clinical testing. Allele origin: germline.
Comment: the same text as in the submission from Illumina Laboratory Services, Illumina above.

Illumina Laboratory Services, Illumina
Classification: Benign for carboxymethyl-dextran-A2-gadolinium-DOTA. Last evaluated: 2018-01-13. Review status: criteria provided, single submitter. Criteria: ICSL Variant Classification Criteria 13 December 2019. Collection method: clinical testing. Allele origin: germline.
Comment: the same text as in the submission from Illumina Laboratory Services, Illumina above.

Illumina Laboratory Services, Illumina
Classification: Benign for Autosomal dominant keratitis. Last evaluated: 2018-01-13. Review status: criteria provided, single submitter. Criteria: ICSL Variant Classification Criteria 13 December 2019. Collection method: clinical testing. Allele origin: germline.
Comment: the same text as in the submission from Illumina Laboratory Services, Illumina above.

Illumina Laboratory Services, Illumina
Classification: Benign for Wilms tumor, aniridia, genitourinary anomalies, and mental retardation syndrome. Last evaluated: 2018-01-13. Review status: criteria provided, single submitter. Criteria: ICSL Variant Classification Criteria 13 December 2019. Collection method: clinical testing. Allele origin: germline.
Comment: the same text as in the submission from Illumina Laboratory Services, Illumina above.

NM_001368894.2(PAX6):c.-107C>T

Gene: PAX6 (paired box 6; minus strand). Cytogenetic location: 11p13.
Variant type: single nucleotide variant.
Coding change: c.-107C>T on transcript NM_001368894.2 (MANE Select); 107 bases upstream of the start codon, C replaced by T.
Molecular consequence: 5 prime UTR variant. On other transcripts: non-coding transcript variant (2), intron variant (2).
Genome position (GRCh38, 1-based): chr11:31,806,904, G>A on the plus strand (C>T on the coding strand, the complement: PAX6 is on the minus strand). VCF-style: chr11-31806904-G-A. GRCh37 (hg19) VCF-style: chr11-31828452-G-A.
Other names: c.-107C>T (NM_000280.6, NM_001127612.3, NM_001258462.3 and 30 more transcripts); c.-384C>T (NM_001368904.2); c.-888C>T (NM_001368905.2); c.-7C>T (NM_001368910.2); c.-268+3924C>T (NM_001368909.2); c.13+3924C>T (NM_001368911.2).
Identifiers: ClinVar variation 304362 (VCV000304362.31), dbSNP rs111270711, ClinGen allele CA10638310.
Genomic context (GRCh38, chr11:31,806,904, plus strand): 5'-CTTGCCTGAAATCTCGGATGTCTGTCCACTCTCACAATAAAAGGCCTCACACATCTGCGC[G>A]CCCCTAGTTAAAGTCTTCCCCCTAAGACAAAACAGAAGGAGAAAAAGGTATATCAAGCTG-3'